The following is an entry in ClinVar:

NM_006757.4(TNNT3):c.37T>C (p.Tyr13His)

Gene: TNNT3 (troponin T3, fast skeletal type; plus strand). Cytogenetic location: 11p15.5.
Variant type: single nucleotide variant.
Coding change: c.37T>C on transcript NM_006757.4 (MANE Select); coding-DNA position 37, T replaced by C.
Protein change: p.Tyr13His; replaces tyrosine 13 with histidine.
Molecular consequence: missense variant. On other transcripts: intron variant (3).
Genome position (GRCh38, 1-based): chr11:1,923,560, T>C. VCF-style: chr11-1923560-T-C. GRCh37 (hg19) VCF-style: chr11-1944790-T-C.
Other names: c.37T>C, p.Tyr13His (NM_001042780.3, NM_001042781.3, NM_001042782.3 and 10 more transcripts); c.-99+669T>C (NM_001367851.1); c.31+499T>C (NM_001367849.1); c.-117+669T>C (NM_001367852.1); short protein forms Y13H.
Identifiers: ClinVar variation 3234954 (VCV003234954.1), dbSNP rs2494361649, ClinGen allele CA379093831.

ClinVar aggregate classification (germline): Uncertain significance (1 of 4 stars; one submission).

Conditions:
Arthrogryposis, distal, type 2B2. Identifiers: MedGen C5193097, MONDO:0032750, OMIM 618435.

Submission:

Neuberg Centre For Genomic Medicine, NCGM
Classification: Uncertain significance for Arthrogryposis, distal, type 2B2. Review status: criteria provided, single submitter. Criteria: ACMG Guidelines, 2015. Collection method: clinical testing. Allele origin: germline. Inheritance: Autosomal dominant inheritance. Affected: yes.
Comment: The missense variant c.37T>Cp.Tyr13His in the TNNT3 gene has not been reported previously as a pathogenic variant nor as a benign variant, to our knowledge. This variant is novel not in any individuals in gnomAD Exomes and 1000 Genomes. The amino acid Tyrosine at position 13 is changed to a Histidine changing protein sequence and it might alter its composition and physico-chemical properties. The amino acid change p.Tyr13His in TNNT3 is predicted as conserved by GERP++ and PhyloP across 100 vertebrates. For these reasons, this variant has been classified as Uncertain Significance VUS.